The following is an entry in ClinVar:

ClinVar aggregate classification (germline): Conflicting classifications of pathogenicity. Review status: criteria provided, conflicting classifications (1 of 4 stars). 4 submissions from 4 submitters: Pathogenic (1); Likely pathogenic (1); Uncertain significance (2). Last evaluated 2026-01-19.

Conditions:
Fumarase deficiency (FMRD). Also called: Fumaric aciduria; Fumarate Hydratase Deficiency. Identifiers: Orphanet 24, MedGen C0342770, MONDO:0011730, OMIM 606812.
Hereditary cancer-predisposing syndrome. Also called: Hereditary neoplastic syndrome; Neoplastic Syndromes, Hereditary; Hereditary Cancer Syndrome; Tumor predisposition. Identifiers: Orphanet 140162, MedGen C0027672, MeSH D009386, MONDO:0015356.

Allele frequency attached by ClinVar (database versions not stated): TOPMed 0.00001.

Submissions (4):

Labcorp Genetics (formerly Invitae), Labcorp
Classification: Pathogenic. Last evaluated: 2026-01-19. Review status: criteria provided, single submitter. Criteria: Invitae Variant Classification Sherloc (09022015). Collection method: clinical testing. Allele origin: germline.
Comment: This sequence change creates a premature translational stop signal (p.Leu22*) in the FH gene. FH has two initiator codons, p.Met1 and p.Met44, which result in two different functional isoforms that localize to the mitochondria and cytosol, respectively (PMID: 21929734, 27037871). Loss-of-function variants in FH are known to be pathogenic (PMID: 11865300, 21398687). Variants affecting the mitochondrial isoform confer risk for fumarate hydratase deficiency, while variants that affect the cytosolic isoform confer risk for FH tumor predisposition syndrome. This variant is not present in population databases (gnomAD no frequency). This variant has not been reported in the literature in individuals affected with FH-related conditions. ClinVar contains an entry for this variant (Variation ID: 573460). This variant disrupts the mitochondria-targeting sequence (MTS) of the FH protein, which is important for protein import into the mitochondria (PMID: 27037871). This suggests that disruption of this region is causative of fumarate hydratase deficiency. For these reasons, this variant has been classified as Pathogenic for autosomal recessive fumarate hydratase deficiency. However, this variant is not likely to confer risk for autosomal dominant FH tumor predisposition syndrome.

Ambry Genetics
Classification: Uncertain significance for Hereditary cancer-predisposing syndrome. Last evaluated: 2025-07-29. Review status: criteria provided, single submitter. Criteria: Ambry Variant Classification Scheme 2023. Collection method: clinical testing. Allele origin: germline.
Comment: The p.L22* variant (also known as c.65T>A), located in coding exon 1 of the FH gene, results from a T to A substitution at nucleotide position 65. This changes the amino acid from a leucine to a stop codon within coding exon 1. The predicted stop codon occurs in the 5&rsquo; end of the FH gene. Premature termination codons in the 5&rsquo; end of a gene have been reported to escape nonsense-mediated mRNAdecay and/or lead to re-initiation (Rivas et al. Science. 2015 May 8;348(6235):666-9; Lindeboom et al. Nat Genet. 2016 Oct;48(10):1112-8; Rhee et al. Sci Rep. 2017 May 10;7(1):1653). The exact functional effect of this alteration is unknown. However, there is a second in-frame methionine at p.M44. Proteins initiated from the first methionine are targeted to the mitochondrion while proteins initiated from the second methionine are targeted to the cytoplasm due to the lack of the mitochondrial targeting sequence encoded between them (Dik E et al. Traffic, 2016 Jul;17:720-32; Magrane M et al., Database (Oxford) 2011). Data suggest that it is the cytoplasmic protein that conveys the tumor suppressor function of FH (Yogev O et al. PLoS Biol., 2010 Mar;8:e1000328). This alteration and others that are expected to adversely affect the protein before the second methionine, have been observed in numerous individuals who do not have a personal or family history that is consistent with or suggestive of FH-related tumor predisposition (Ambry internal data). The clinical impact of this variant in terms of autosomal recessive Fumarase Deficiency is also unclear due to the lack of this variant being associated with this autosomal recessive disease in the literature and internally. Based on the available evidence, the clinical significance of this variant remains unclear.

Baylor Genetics
Classification: Likely pathogenic for Fumarase deficiency. Last evaluated: 2023-03-20. Review status: criteria provided, single submitter. Criteria: ACMG Guidelines, 2015. Collection method: clinical testing. Allele origin: unknown.

GeneDx
Classification: Uncertain significance. Last evaluated: 2019-06-19. Review status: criteria provided, single submitter. Criteria: GeneDx Variant Classification Process June 2021. Collection method: clinical testing. Allele origin: germline. Affected: yes.
Comment: Not observed in large population cohorts (Lek et al., 2016); Nonsense variant predicted to result in protein truncation or nonsense mediated decay in a gene for which loss-of-function is not a known mechanism of disease; Has not been previously published as pathogenic or benign to our knowledge; This variant is associated with the following publications: (PMID: 21929734, 27037871)

Literature cited by the submitters: PubMed 21929734 (cited by Labcorp Genetics (formerly Invitae), Labcorp and Ambry Genetics); PubMed 27037871 (cited by Labcorp Genetics (formerly Invitae), Labcorp and Ambry Genetics); PubMed 11865300 (cited by Labcorp Genetics (formerly Invitae), Labcorp); PubMed 21398687 (cited by Labcorp Genetics (formerly Invitae), Labcorp); PubMed 21447597 (cited by Ambry Genetics).

NM_000143.4(FH):c.65T>A (p.Leu22Ter)

Gene: FH (fumarate hydratase; minus strand). Cytogenetic location: 1q43.
Variant type: single nucleotide variant.
Coding change: c.65T>A on transcript NM_000143.4 (MANE Select); coding-DNA position 65, T replaced by A.
Protein change: p.Leu22Ter; replaces leucine 22 with a stop codon.
Molecular consequence: nonsense.
Genome position (GRCh38, 1-based): chr1:241,519,658, A>T on the plus strand (T>A on the coding strand, the complement: FH is on the minus strand). VCF-style: chr1-241519658-A-T. GRCh37 (hg19) VCF-style: chr1-241682958-A-T.
Other names: short protein forms L22*.
Identifiers: ClinVar variation 573460 (VCV000573460.17), dbSNP rs1031919395, ClinGen allele CA40338008.